The following is an entry in ClinVar:

ClinVar aggregate classification (germline): Uncertain significance (1 of 4 stars; one submission).

Conditions:
Neuroblastoma, susceptibility to, 3. Also called: ALK-Related Neuroblastic Tumor Susceptibility. Identifiers: Orphanet 635, MedGen C2751681, MONDO:0013083, OMIM 613014.

Submission:

Labcorp Genetics (formerly Invitae), Labcorp
Classification: Uncertain significance for Neuroblastoma, susceptibility to, 3. Last evaluated: 2024-08-11. Review status: criteria provided, single submitter. Criteria: Invitae Variant Classification Sherloc (09022015). Collection method: clinical testing. Allele origin: germline.
Comment: This sequence change replaces threonine, which is neutral and polar, with isoleucine, which is neutral and non-polar, at codon 533 of the ALK protein (p.Thr533Ile). This variant is not present in population databases (gnomAD no frequency). This variant has not been reported in the literature in individuals affected with ALK-related conditions. ClinVar contains an entry for this variant (Variation ID: 2420629). An algorithm developed to predict the effect of missense changes on protein structure and function (PolyPhen-2) suggests that this variant is likely to be tolerated. In summary, the available evidence is currently insufficient to determine the role of this variant in disease. Therefore, it has been classified as a Variant of Uncertain Significance.

NM_004304.5(ALK):c.1598C>T (p.Thr533Ile)

Gene: ALK (ALK receptor tyrosine kinase; minus strand). Cytogenetic location: 2p23.2.
Variant type: single nucleotide variant.
Coding change: c.1598C>T on transcript NM_004304.5 (MANE Select); coding-DNA position 1598, C replaced by T.
Protein change: p.Thr533Ile; replaces threonine 533 with isoleucine.
Molecular consequence: missense variant.
Genome position (GRCh38, 1-based): chr2:29,318,353, G>A on the plus strand (C>T on the coding strand, the complement: ALK is on the minus strand). VCF-style: chr2-29318353-G-A. GRCh37 (hg19) VCF-style: chr2-29541219-G-A.
Other names: short protein forms T533I.
Identifiers: ClinVar variation 2420629 (VCV002420629.6), dbSNP rs2148248119, ClinGen allele CA346471092.
Genomic context (GRCh38, chr2:29,318,353, plus strand): 5'-AGGAGACTTGCCTCACATGGAGAGCTCTTGATCGGTGCAGGAAACGTAGCACTGGTCACT[G>A]TAGCACTTTCAGAAGCGGGGACATCAGTGGTACTGAGCAATAGAGCATGGTCTAGGAGAG-3'
Protein context (NP_004295.2, residues 523-543): TTDVPASESA[Thr533Ile]VTSATFPAPI